The following is an entry in ClinVar:

NM_020732.3:c.1279A>T

Gene: ARID1B (AT-rich interaction domain 1B; plus strand).
Variant type: single nucleotide variant.
Other names: c.1279A>T (NM_020732.3).
Identifiers: ClinVar variation 4540268 (VCV004540268.1).

ClinVar aggregate classification (germline): Uncertain significance (1 of 4 stars; one submission).

Submission:

GeneDx
Classification: Uncertain significance. Last evaluated: 2025-06-23. Review status: criteria provided, single submitter. Criteria: GeneDx Variant Classification Process June 2021. Collection method: clinical testing. Allele origin: germline. Affected: yes.
Comment: Not observed at significant frequency in large population cohorts (gnomAD); In silico analysis supports that this missense variant has a deleterious effect on protein structure/function; Has not been previously published as pathogenic or benign to our knowledge